The following is an entry in ClinVar:

NM_001365999.1(SZT2):c.3044-7C>T

Gene: SZT2 (SZT2 subunit of KICSTOR complex; plus strand). Cytogenetic location: 1p34.2.
Variant type: single nucleotide variant.
Coding change: c.3044-7C>T on transcript NM_001365999.1 (MANE Select); 7 bases into the intron before coding-DNA position 3044, C replaced by T.
Molecular consequence: intron variant.
Genome position (GRCh38, 1-based): chr1:43,426,361, C>T. VCF-style: chr1-43426361-C-T. GRCh37 (hg19) VCF-style: chr1-43892032-C-T.
Other names: c.3043+210C>T (NM_015284.4).
Identifiers: ClinVar variation 3044317 (VCV003044317.3), dbSNP rs575452503, ClinGen allele CA21634049.
Genomic context (GRCh38, chr1:43,426,361, plus strand): 5'-CAGGGCTGAGCCGGGGGCACCGGGCAGCAGGAGGCTCTTGGTGCTGAGCAGAGTGTGTGT[C>T]GGGCAGAGCCAGAGGGTGTCCCTTTCGCCGAGGGGTCCTGTCCTGCCAACGACATGGTGC-3'

ClinVar aggregate classification (germline): Likely benign. Review status: criteria provided, single submitter (1 of 4 stars). 2 submissions from 2 submitters: Likely benign (1). 1 of the submissions does not count toward it. Last evaluated 2023-02-07.

Conditions:
SZT2-related disorder. Also called: SZT2-related condition.

Allele frequency attached by ClinVar (database versions not stated): TOPMed 0.00002; gnomAD 0.00013; 1000 Genomes Project 0.00100; 1000 Genomes Project 30x 0.00109.
gnomAD v4.1: 451 of 1,537,024 alleles (0.029%); highest among the groups gnomAD compares: South Asian, 0.46%; 19 homozygotes.

Submissions (2):

Blueprint Genetics
Classification: Likely benign. Last evaluated: 2023-02-07. Review status: criteria provided, single submitter. Criteria: ACMG Guidelines, 2015. Collection method: clinical testing. Allele origin: germline.

PreventionGenetics, part of Exact Sciences
Classification: Likely benign for SZT2-related condition. Last evaluated: 2019-05-25. Review status: no assertion criteria provided. Collection method: clinical testing. Allele origin: germline. Not counted in ClinVar's aggregate classification.
Comment: This variant is classified as likely benign based on ACMG/AMP sequence variant interpretation guidelines (Richards et al. 2015 PMID: 25741868, with internal and published modifications).